The following is an entry in ClinVar:

ClinVar aggregate classification (germline): Pathogenic (1 of 4 stars; one submission).

Conditions:
Senior-Loken syndrome 7 (SLSN7). Identifiers: Orphanet 3156, MedGen C3150877, MONDO:0013326, OMIM 613615.
Bardet-Biedl syndrome 16 (BBS16). Identifiers: Orphanet 110, MedGen C3889474, MONDO:0014444, OMIM 615993.

Submission:

Labcorp Genetics (formerly Invitae), Labcorp
Classification: Pathogenic for Bardet-Biedl syndrome 16; Senior-Loken syndrome 7. Last evaluated: 2024-12-02. Review status: criteria provided, single submitter. Criteria: Invitae Variant Classification Sherloc (09022015). Collection method: clinical testing. Allele origin: germline.
Comment: This sequence change creates a premature translational stop signal (p.Asn210Lysfs*12) in the SDCCAG8 gene. It is expected to result in an absent or disrupted protein product. Loss-of-function variants in SDCCAG8 are known to be pathogenic (PMID: 20835237, 22190896). This variant is not present in population databases (gnomAD no frequency). This variant has not been reported in the literature in individuals affected with SDCCAG8-related conditions. ClinVar contains an entry for this variant (Variation ID: 2006501). For these reasons, this variant has been classified as Pathogenic.

Literature cited by the submitters: PubMed 20835237; PubMed 22190896.

NM_006642.5(SDCCAG8):c.629dup (p.Asn210fs)

Gene: SDCCAG8 (SHH signaling and ciliogenesis regulator SDCCAG8; plus strand). Cytogenetic location: 1q43.
Variant type: Duplication.
Coding change: c.629dup on transcript NM_006642.5 (MANE Select); coding-DNA position 629, one base duplicated (A; older notation c.629dupA).
Protein change: p.Asn210fs; shifts the reading frame from asparagine 210.
Molecular consequence: frameshift variant. On other transcripts: 5 prime UTR variant (3).
Genome position (GRCh38, 1-based): chr1:243,293,173, A duplicated; the last of 2 consecutive A bases (chr1:243,293,172-243,293,173); duplicating either gives the same sequence. VCF-style (leftmost placement, unchanged base first): chr1-243293171-C-CA. GRCh37 (hg19) VCF-style: chr1-243456473-C-CA.
Other names: c.-484dup (NM_001350246.2); c.-372dup (NM_001350247.2); c.629dup, p.Asn210fs (NM_001350248.2); c.335dup, p.Asn112fs (NM_001350249.2); c.-745dup (NM_001350251.2); short protein forms N112fs, N210fs.
Identifiers: ClinVar variation 2006501 (VCV002006501.4), dbSNP rs1236419449, ClinGen allele CA733830149.
Genomic context (GRCh38, chr1:243,293,171, plus strand): 5'-GATTACAACAGGTGAAGATTCTGGGGTGGGCGAAACCTCCAAAAGACCATTTTCCCATGA[C>CA]AATGCAGATTTTGGCAAAGCTGCATCTGCTGGTGAGCAGCTAGAACTGGTGAGTATTTGG-3'